The following is an entry in ClinVar:

ClinVar aggregate classification (germline): Pathogenic/Likely pathogenic. Review status: criteria provided, multiple submitters, no conflicts (2 of 4 stars). 3 submissions from 3 submitters: Pathogenic (2); Likely pathogenic (1). Last evaluated 2022-05-22.

Conditions:
Intellectual developmental disorder, X-linked, syndromic, Houge type. Also called: MENTAL RETARDATION, X-LINKED, SYNDROMIC, HOUGE TYPE; Intellectual disability, X-linked, syndromic, Houge type. Identifiers: MedGen C4538788, MONDO:0030909, OMIM 301008.
CNKSR2-related disorder. Also called: CNKSR2-related condition.

Submissions (3):

3billion
Classification: Pathogenic for Intellectual developmental disorder, X-linked, syndromic, Houge type. Last evaluated: 2022-05-22. Review status: criteria provided, single submitter. Criteria: ACMG Guidelines, 2015. Collection method: clinical testing. Allele origin: germline. Affected: yes. Observed: 1 hemizygote.
Comment: The variant is not observed in the gnomAD v2.1.1 dataset. Frameshift: predicted to result in a loss or disruption of normal protein function through nonsense-mediated decay (NMD) or protein truncation. Multiple pathogenic variants are reported downstream of the variant. The variant has been reported to be associated with CNKSR2 related disorder (ClinVar ID: VCV000976388). Therefore, this variant is classified as pathogenic according to the recommendation of ACMG/AMP guideline.

Institute of Human Genetics, University of Leipzig Medical Center
Classification: Pathogenic for Intellectual developmental disorder, X-linked, syndromic, Houge type. Last evaluated: 2022-01-21. Review status: criteria provided, single submitter. Criteria: ACMG Guidelines, 2015. Collection method: clinical testing. Allele origin: de novo. Affected: yes.
Comment: This variant was identified as hemizygous._x000D_ Criteria applied: PVS1, PS2_MOD, PM2_SUP

Blueprint Genetics
Classification: Likely pathogenic for CNKSR2-related disorders. Last evaluated: 2019-02-21. Review status: criteria provided, single submitter. Criteria: ACMG Guidelines, 2015. Collection method: clinical testing. Allele origin: germline. Affected: yes. Observed: 1 variant allele.

NM_014927.5(CNKSR2):c.1988_1989del (p.Arg663fs)

Gene: CNKSR2 (connector enhancer of kinase suppressor of Ras 2; plus strand). Cytogenetic location: Xp22.12.
Variant type: Deletion.
Coding change: c.1988_1989del on transcript NM_014927.5 (MANE Select); coding-DNA positions 1988 to 1989, 2 bases deleted (GA; older notation c.1988_1989delGA).
Protein change: p.Arg663fs; shifts the reading frame from arginine 663.
Molecular consequence: frameshift variant.
Genome position (GRCh38, 1-based): chrX:21,601,293-21,601,294, GA deleted; deleting any 2 consecutive bases within chrX:21,601,292-21,601,294 gives the same sequence; the c. name uses the placement nearest the transcript's 3' end. VCF-style (leftmost placement, unchanged base first): chrX-21601291-CAG-C. GRCh37 (hg19) VCF-style: chrX-21619409-CAG-C.
Other names: c.1898_1899del, p.Arg633fs (NM_001168647.3, NM_001330773.2); c.1988_1989del, p.Arg663fs (NM_001168648.3); c.1841_1842del, p.Arg614fs (NM_001168649.3, NM_001330770.2); c.1751_1752del, p.Arg584fs (NM_001330771.2, NM_001330772.2); short protein forms R584fs, R614fs, R633fs, R663fs.
Identifiers: ClinVar variation 976388 (VCV000976388.5), dbSNP rs2092480172, ClinGen allele CA1139667266.